The following is an entry in ClinVar:

ClinVar aggregate classification (germline): Uncertain significance (1 of 4 stars; one submission).

Submission:

GeneDx
Classification: Uncertain significance. Last evaluated: 2019-04-12. Review status: criteria provided, single submitter. Criteria: GeneDx Variant Classification Process June 2021. Collection method: clinical testing. Allele origin: germline. Affected: yes.
Comment: Not observed in large population cohorts (Lek et al., 2016); In silico analysis, which includes protein predictors and evolutionary conservation, supports that this variant does not alter protein structure/function; Has not been previously published as pathogenic or benign to our knowledge

NM_014141.6(CNTNAP2):c.17G>A (p.Arg6His)

Gene: CNTNAP2 (contactin associated protein 2; plus strand). Cytogenetic location: 7q35.
Variant type: single nucleotide variant.
Coding change: c.17G>A on transcript NM_014141.6 (MANE Select); coding-DNA position 17, G replaced by A.
Protein change: p.Arg6His; replaces arginine 6 with histidine.
Molecular consequence: missense variant.
Genome position (GRCh38, 1-based): chr7:146,116,893, G>A. VCF-style: chr7-146116893-G-A. GRCh37 (hg19) VCF-style: chr7-145813985-G-A.
Other names: short protein forms R6H.
Identifiers: ClinVar variation 1316926 (VCV001316926.2), dbSNP rs2116710944, ClinGen allele CA369922006.